The following is an entry in ClinVar:

ClinVar aggregate classification (germline): Uncertain significance (1 of 4 stars; one submission).

Submission:

GeneDx
Classification: Uncertain significance. Last evaluated: 2019-07-16. Review status: criteria provided, single submitter. Criteria: GeneDx Variant Classification Process June 2021. Collection method: clinical testing. Allele origin: germline. Affected: yes.
Comment: Has not been previously published as pathogenic or benign to our knowledge; Not observed in large population cohorts (Lek et al., 2016); In silico analysis, which includes protein predictors and evolutionary conservation, supports a deleterious effect

NM_001099922.3(ALG13):c.321T>G (p.Asn107Lys)

Gene: ALG13 (ALG13 UDP-N-acetylglucosaminyltransferase subunit; plus strand). Cytogenetic location: Xq23.
Variant type: single nucleotide variant.
Coding change: c.321T>G on transcript NM_001099922.3 (MANE Select); coding-DNA position 321, T replaced by G.
Protein change: p.Asn107Lys; replaces asparagine 107 with lysine.
Molecular consequence: missense variant. On other transcripts: non-coding transcript variant (3).
Genome position (GRCh38, 1-based): chrX:111,685,041, T>G. VCF-style: chrX-111685041-T-G. GRCh37 (hg19) VCF-style: chrX-110928269-T-G.
Other names: c.262T>G, p.Ser88Ala (NM_001039210.5); c.321T>G, p.Asn107Lys (NM_001168385.3, NM_001324292.2, NM_018466.6); c.9T>G, p.Asn3Lys (NM_001257230.2, NM_001257234.2, NM_001257235.3 and 6 more transcripts); c.87T>G, p.Asn29Lys (NM_001257231.2, NM_001257241.3); c.327T>G, p.Asn109Lys (NM_001324290.2); short protein forms N107K, N109K, N29K, N3K, S88A.
Identifiers: ClinVar variation 1307075 (VCV001307075.2), dbSNP rs748812688, ClinGen allele CA414248699.
Genomic context (GRCh38, chrX:111,685,041, plus strand): 5'-GGAGACTCTGGAAAAAGGAAAGCCACTCGTAGTGGTTATAAACGAAAAGTTGATGAACAA[T>G]CATCAGCTGGAACTGGCAAAGCAGCTACACAAAGAGGGTCATCTCTTCTATTGTACCTGC-3'
Protein context (NP_001093392.1, residues 97-117): VVVINEKLMN[Asn107Lys]HQLELAKQLH